The following is an entry in ClinVar:

ClinVar aggregate classification (germline): Conflicting classifications of pathogenicity. Review status: criteria provided, conflicting classifications (1 of 4 stars). 4 submissions from 4 submitters: Uncertain significance (2); Likely benign (1). 1 of the submissions does not count toward it. Last evaluated 2025-06-23.

Conditions:
DSP-related disorder. Also called: DSP-related condition; DSP-related disorders.
Cardiomyopathy (CMYO). Also called: Cardiomyopathies. Identifiers: Orphanet 167848, MedGen C0878544, MONDO:0004994, HP:0001638. Inheritance: Various modes of inheritance.
Arrhythmogenic cardiomyopathy with wooly hair and keratoderma. Also called: Arrhythmogenic cardiomyopathy with woolly hair and keratoderma; Carvajal syndrome; PALMOPLANTAR KERATODERMA WITH LEFT VENTRICULAR CARDIOMYOPATHY AND WOOLLY HAIR; Dilated cardiomyopathy with woolly hair and keratoderma. Identifiers: Orphanet 65282, MedGen C1854063, MONDO:0011581, OMIM 605676.
Arrhythmogenic right ventricular dysplasia 8 (ARVD8). Also called: Arrhythmogenic Right Ventricular Dysplasia/Cardiomyopathy 8; ARRHYTHMOGENIC RIGHT VENTRICULAR CARDIOMYOPATHY 8; ARRHYTHMOGENIC RIGHT VENTRICULAR DYSPLASIA, FAMILIAL, 8. Identifiers: MedGen C1843896, MONDO:0011831, OMIM 607450.

Allele frequency attached by ClinVar (database versions not stated): ExAC 0.00001; gnomAD 0.00001; gnomAD exomes 0.00001.
gnomAD v4.1: 14 of 1,613,628 alleles (0.00087%); highest among the groups gnomAD compares: South Asian, 0.0099%; no homozygotes.

Submissions (4):

Color Diagnostics, LLC DBA Color Health
Classification: Uncertain significance for Cardiomyopathy. Last evaluated: 2025-06-23. Review status: criteria provided, single submitter. Criteria: ACMG Guidelines, 2015. Collection method: clinical testing. Allele origin: germline.
Comment: This missense variant replaces leucine with valine at codon 1829 of the DSP protein. Computational prediction suggests that this variant may not impact protein structure and function. To our knowledge, functional studies have not been reported for this variant. This variant has not been reported in individuals affected with DSP-related disorders in the literature. This variant has been identified in 2/251294 chromosomes in the general population by the Genome Aggregation Database (gnomAD). The available evidence is insufficient to determine the role of this variant in disease conclusively. Therefore, this variant is classified as a Variant of Uncertain Significance.

Labcorp Genetics (formerly Invitae), Labcorp
Classification: Likely benign for Arrhythmogenic cardiomyopathy with wooly hair and keratoderma; Arrhythmogenic right ventricular dysplasia 8. Last evaluated: 2024-11-28. Review status: criteria provided, single submitter. Criteria: Invitae Variant Classification Sherloc (09022015). Collection method: clinical testing. Allele origin: germline.

All of Us Research Program, National Institutes of Health
Classification: Uncertain significance for Arrhythmogenic cardiomyopathy with wooly hair and keratoderma. Last evaluated: 2023-08-15. Review status: criteria provided, single submitter. Criteria: ACMG Guidelines, 2015. Collection method: clinical testing. Allele origin: germline. Inheritance: Autosomal dominant inheritance. Observed: 1 variant allele, 1 heterozygote.
Comment: This missense variant replaces leucine with valine at codon 1829 of the DSP protein. Computational prediction suggests that this variant may not impact protein structure and function (internally defined REVEL score threshold <= 0.5, PMID: 27666373). To our knowledge, functional studies have not been reported for this variant. This variant has not been reported in individuals affected with DSP-related disorders in the literature. This variant has been identified in 2/251294 chromosomes in the general population by the Genome Aggregation Database (gnomAD). The available evidence is insufficient to determine the role of this variant in disease conclusively. Therefore, this variant is classified as a Variant of Uncertain Significance.

This study involves interpretation of variants in research participants for the purpose of population health screening. Participant phenotype was not available at the time of variant classification. Additional details can be found in publication PMID: 35346344, PMCID: PMC8962531

PreventionGenetics, part of Exact Sciences
Classification: Uncertain significance for DSP-related condition. Last evaluated: 2024-07-11. Review status: no assertion criteria provided. Collection method: clinical testing. Allele origin: germline. Not counted in ClinVar's aggregate classification.
Comment: The DSP c.5485C>G variant is predicted to result in the amino acid substitution p.Leu1829Val. To our knowledge, this variant has not been reported in the literature. This variant is reported in 0.0065% of alleles in individuals of South Asian descent in gnomAD. In ClinVar this variant has conflicting interpretations of likely benign and uncertain. At this time, the clinical significance of this variant is uncertain due to the absence of conclusive functional and genetic evidence.

NM_004415.4(DSP):c.5485C>G (p.Leu1829Val)

Gene: DSP (desmoplakin; plus strand). Cytogenetic location: 6p24.3.
Variant type: single nucleotide variant.
Coding change: c.5485C>G on transcript NM_004415.4 (MANE Select); coding-DNA position 5485, C replaced by G.
Protein change: p.Leu1829Val; replaces leucine 1829 with valine.
Molecular consequence: missense variant.
Genome position (GRCh38, 1-based): chr6:7,582,747, C>G. VCF-style: chr6-7582747-C-G. GRCh37 (hg19) VCF-style: chr6-7582980-C-G.
Other names: c.5485C>G (NM_004415.3); c.3688C>G, p.Leu1230Val (NM_001008844.3); c.4156C>G, p.Leu1386Val (NM_001319034.2); short protein forms L1230V, L1829V, L1386V.
Identifiers: ClinVar variation 1425066 (VCV001425066.11), dbSNP rs769284245, ClinGen allele CA045055.
Genomic context (GRCh38, chr6:7,582,747, plus strand): 5'-GTACAGGAAAGAGAGAGCCTTCTGGTGAAAATCAAAGTCCTGGAGCAAGACAAGGCAAGG[C>G]TGCAGAGGCTGGAGGATGAGCTGAATCGTGCAAAATCAACTCTAGAGGCAGAAACCAGGG-3'
Protein context (NP_004406.2, residues 1819-1839): IKVLEQDKAR[Leu1829Val]QRLEDELNRA